The following is an entry in ClinVar:

ClinVar aggregate classification (germline): Pathogenic (0 of 4 stars; one submission).

Conditions:
Carcinoma of colon (CRC). Also called: Colonic carcinoma; Colon carcinoma. Identifiers: MedGen C0699790, MONDO:0002032.

Submission:

Department of Pathology and Laboratory Medicine, Sinai Health System
Classification: Pathogenic for Carcinoma of colon. Review status: no assertion criteria provided. Collection method: clinical testing. Allele origin: unknown. Affected: yes. Study: The Canadian Open Genetics Repository (COGR).
Comment: The APC p.Cys420Serfs*5 variant was not identified in the literature nor was it identified in the dbSNP, ClinVar, Cosmic, MutDB, LOVD 3.0, UMD-LSDB, or the Zhejiang Colon Cancer Database. The variant was not identified in the following control databases: the 1000 Genomes Project, the NHLBI GO Exome Sequencing Project, the Exome Aggregation Consortium (August 8th 2016), or the Genome Aggregation Database (Feb 27, 2017). The c.1259_1269del variant is predicted to cause a frameshift, which alters the protein's amino acid sequence beginning at codon 420 and leads to a premature stop codon at position 425. This alteration is then predicted to result in a truncated or absent protein and loss of function. Loss of function variants of the APC gene are an established mechanism of disease in familial adenomatous polyposis and is the type of variant expected to cause the disorder. In summary, based on the above information this variant meets our laboratoryâ€šÃ„Ã´s criteria to be classified as pathogenic.

NM_000038.6(APC):c.1259_1269del (p.Cys420fs)

Gene: APC (APC regulator of Wnt signaling pathway; plus strand). Cytogenetic location: 5q22.2.
Variant type: Deletion.
Coding change: c.1259_1269del on transcript NM_000038.6 (MANE Select); coding-DNA positions 1259 to 1269, 11 bases deleted (GTTGGGAGTGG).
Protein change: p.Cys420fs; shifts the reading frame from cysteine 420.
Molecular consequence: frameshift variant.
Genome position (GRCh38, 1-based): chr5:112,819,291-112,819,301, GTTGGGAGTGG deleted. VCF-style (leftmost placement, unchanged base first): chr5-112819290-TGTTGGGAGTGG-T. GRCh37 (hg19) VCF-style: chr5-112154987-TGTTGGGAGTGG-T.
Other names: c.1259_1269del, p.Cys420fs (NM_001127510.3, NM_001354895.2, NM_001354896.2); c.1205_1215del, p.Cys402fs (NM_001127511.3); c.1289_1299del, p.Cys430fs (NM_001354897.2); c.1184_1194del, p.Cys395fs (NM_001354898.2); c.1175_1185del, p.Cys392fs (NM_001354899.2); c.1082_1092del, p.Cys361fs (NM_001354900.2, NM_001354901.2); c.986_996del, p.Cys329fs (NM_001354902.2); c.956_966del, p.Cys319fs (NM_001354903.2); and 3 more; short protein forms C137fs, C260fs, C294fs, C319fs, C329fs, C361fs, C392fs, C395fs.
Identifiers: ClinVar variation 1049574 (VCV001049574.1), dbSNP rs2149783399, ClinGen allele CA1139770889.